The following is an entry in ClinVar:

ClinVar aggregate classification (germline): Benign/Likely benign. Review status: criteria provided, multiple submitters, no conflicts (2 of 4 stars). 3 submissions from 3 submitters: Benign (1); Likely benign (1). 1 of the submissions does not count toward it. Last evaluated 2024-11-27.

Conditions:
SLFN14-related disorder. Also called: SLFN14-related condition.

Allele frequency attached by ClinVar (database versions not stated): ExAC 0.13573; ESP Exome Variant Server 0.15353; TOPMed 0.18640; 1000 Genomes Project 0.23243; 1000 Genomes Project 30x 0.23907.

Submissions (3):

Blueprint Genetics
Classification: Likely benign. Last evaluated: 2024-11-27. Review status: criteria provided, single submitter. Criteria: ACMG Guidelines, 2015. Collection method: clinical testing. Allele origin: germline.

Mayo Clinic Laboratories, Mayo Clinic
Classification: Benign. Last evaluated: 2022-09-29. Review status: criteria provided, single submitter. Criteria: ACMG Guidelines, 2015. Collection method: clinical testing. Allele origin: germline. Observed: 181 variant alleles.

PreventionGenetics, part of Exact Sciences
Classification: Benign for SLFN14-related condition. Last evaluated: 2019-07-16. Review status: no assertion criteria provided. Collection method: clinical testing. Allele origin: germline. Not counted in ClinVar's aggregate classification.
Comment: This variant is classified as benign based on ACMG/AMP sequence variant interpretation guidelines (Richards et al. 2015 PMID: 25741868, with internal and published modifications).

NM_001129820.2(SLFN14):c.1650G>C (p.Val550=)

Gene: SLFN14 (schlafen family member 14; minus strand). Cytogenetic location: 17q12.
Variant type: single nucleotide variant.
Coding change: c.1650G>C on transcript NM_001129820.2 (MANE Select); coding-DNA position 1650, G replaced by C.
Protein change: p.Val550=; no amino-acid change (valine 550 retained).
Molecular consequence: synonymous variant.
Genome position (GRCh38, 1-based): chr17:35,552,984, C>G on the plus strand (G>C on the coding strand, the complement: SLFN14 is on the minus strand). VCF-style: chr17-35552984-C-G. GRCh37 (hg19) VCF-style: chr17-33880003-C-G.
Other names: p.Val550=.
Identifiers: ClinVar variation 3058998 (VCV003058998.4), dbSNP rs28498569, ClinGen allele CA8504614.